The following is an entry in ClinVar:

NM_016284.5(CNOT1):c.1654T>C (p.Tyr552His)

Gene: CNOT1 (CCR4-NOT transcription complex subunit 1; minus strand). Cytogenetic location: 16q21.
Variant type: single nucleotide variant.
Coding change: c.1654T>C on transcript NM_016284.5 (MANE Select); coding-DNA position 1654, T replaced by C.
Protein change: p.Tyr552His; replaces tyrosine 552 with histidine.
Molecular consequence: missense variant. On other transcripts: non-coding transcript variant (1).
Genome position (GRCh38, 1-based): chr16:58,576,513, A>G on the plus strand (T>C on the coding strand, the complement: CNOT1 is on the minus strand). VCF-style: chr16-58576513-A-G. GRCh37 (hg19) VCF-style: chr16-58610417-A-G.
Other names: c.1654T>C, p.Tyr552His (NM_001265612.2, NM_206999.3); short protein forms Y552H.
Identifiers: ClinVar variation 2498667 (VCV002498667.28), dbSNP rs1190405329, ClinGen allele CA396141680.
Genomic context (GRCh38, chr16:58,576,513, plus strand): 5'-CTGAACTCACCTTCAAGTCCTGGGCCACATCAAGTATTCGAGACAATTTGGCCTGATCAT[A>G]CTGCTCCCCTCTCATGTACCATTCTGCCATTGCATGCATGATAAGTTGGCGAATTGAGGG-3'
Protein context (NP_057368.3, residues 542-562): MAEWYMRGEQ[Tyr552His]DQAKLSRILD

ClinVar aggregate classification (germline): Uncertain significance (1 of 4 stars; one submission).

Allele frequency attached by ClinVar (database versions not stated): TOPMed below 0.00001; gnomAD 0.00001; gnomAD exomes 0.00001.
gnomAD v4.1: 12 of 1,614,202 alleles (0.00074%); highest among the groups gnomAD compares: African/African-American, 0.0013%; no homozygotes.

Submission:

CeGaT Center for Human Genetics Tuebingen
Classification: Uncertain significance. Last evaluated: 2023-03-01. Review status: criteria provided, single submitter. Criteria: CeGaT Center For Human Genetics Tuebingen Variant Classification Criteria Version 2. Collection method: clinical testing. Allele origin: germline. Affected: yes. Observed: 1 variant allele.
Comment: CNOT1: PP2